The following is an entry in ClinVar:

NM_006949.4(STXBP2):c.1732G>A (p.Asp578Asn)

Gene: STXBP2 (syntaxin binding protein 2; plus strand). Cytogenetic location: 19p13.2.
Variant type: single nucleotide variant.
Coding change: c.1732G>A on transcript NM_006949.4 (MANE Select); coding-DNA position 1732, G replaced by A.
Protein change: p.Asp578Asn; replaces aspartic acid 578 with asparagine.
Molecular consequence: missense variant. On other transcripts: non-coding transcript variant (1).
Genome position (GRCh38, 1-based): chr19:7,647,760, G>A. VCF-style: chr19-7647760-G-A. GRCh37 (hg19) VCF-style: chr19-7712646-G-A.
Other names: c.1723G>A, p.Asp575Asn (NM_001127396.3); c.1765G>A, p.Asp589Asn (NM_001272034.2); short protein forms D578N, D575N, D589N.
Identifiers: ClinVar variation 1421606 (VCV001421606.5), dbSNP rs1187716105, ClinGen allele CA403162360.

ClinVar aggregate classification (germline): Uncertain significance (1 of 4 stars; one submission).

Conditions:
Familial hemophagocytic lymphohistiocytosis 5. Also called: STXBP2-Related Familial Hemophagocytic Lymphohistiocytosis (STXBP2-fHLH). Identifiers: Orphanet 540, MedGen C2751293, MONDO:0013135, OMIM 613101.

Allele frequency attached by ClinVar (database versions not stated): gnomAD exomes below 0.00001; gnomAD 0.00001.
gnomAD v4.1: 4 of 1,613,994 alleles (0.00025%); highest among the groups gnomAD compares: Non-Finnish European, 0.00034%; no homozygotes.

Submission:

Labcorp Genetics (formerly Invitae), Labcorp
Classification: Uncertain significance for Familial hemophagocytic lymphohistiocytosis 5. Last evaluated: 2021-08-31. Review status: criteria provided, single submitter. Criteria: Invitae Variant Classification Sherloc (09022015). Collection method: clinical testing. Allele origin: germline.
Comment: This sequence change replaces aspartic acid with asparagine at codon 578 of the STXBP2 protein (p.Asp578Asn). The aspartic acid residue is moderately conserved and there is a small physicochemical difference between aspartic acid and asparagine. This variant is not present in population databases (ExAC no frequency). This variant has not been reported in the literature in individuals affected with STXBP2-related conditions. Algorithms developed to predict the effect of missense changes on protein structure and function output the following: SIFT: "Tolerated"; PolyPhen-2: "Benign"; Align-GVGD: "Class C0". The asparagine amino acid residue is found in multiple mammalian species, which suggests that this missense change does not adversely affect protein function. In summary, the available evidence is currently insufficient to determine the role of this variant in disease. Therefore, it has been classified as a Variant of Uncertain Significance.